The following is an entry in ClinVar:

ClinVar aggregate classification (germline): Uncertain significance (1 of 4 stars; one submission).

Submission:

Ambry Genetics
Classification: Uncertain significance. Last evaluated: 2026-03-26. Review status: criteria provided, single submitter. Criteria: Ambry Variant Classification Scheme 2023. Collection method: clinical testing. Allele origin: germline.
Comment: The c.2488G>T (p.V830L) alteration is located in exon 21 (coding exon 21) of the MINK1 gene. This alteration results from a G to T substitution at nucleotide position 2488, causing the valine (V) at amino acid position 830 to be replaced by a leucine (L). Based on data from gnomAD, the T allele has an overall frequency of <0.001% (1/246048) total alleles studied. The highest observed frequency was 0.003% (1/33992) of Latino alleles. Based on insufficient or conflicting evidence, the clinical significance of this alteration remains unclear.

NM_153827.5(MINK1):c.2488G>T (p.Val830Leu)

Gene: MINK1 (misshapen like kinase 1; plus strand). Cytogenetic location: 17p13.2.
Variant type: single nucleotide variant.
Coding change: c.2488G>T on transcript NM_153827.5 (MANE Select); coding-DNA position 2488, G replaced by T.
Protein change: p.Val830Leu; replaces valine 830 with leucine.
Molecular consequence: missense variant.
Genome position (GRCh38, 1-based): chr17:4,893,521, G>T. VCF-style: chr17-4893521-G-T. GRCh37 (hg19) VCF-style: chr17-4796816-G-T.
Other names: c.2428G>T, p.Val810Leu (NM_001024937.4); c.2212G>T, p.Val738Leu (NM_001321236.2); c.2377G>T, p.Val793Leu (NM_015716.5); c.2401G>T, p.Val801Leu (NM_170663.5); short protein forms V738L, V793L, V801L, V810L, V830L.
Identifiers: ClinVar variation 4860046 (VCV004860046.1).